The following is an entry in ClinVar:

NM_206933.4(USH2A):c.13313G>A (p.Trp4438Ter)

Gene: USH2A (usherin; minus strand). Cytogenetic location: 1q41.
Variant type: single nucleotide variant.
Coding change: c.13313G>A on transcript NM_206933.4 (MANE Select); coding-DNA position 13313, G replaced by A.
Protein change: p.Trp4438Ter; replaces tryptophan 4438 with a stop codon.
Molecular consequence: nonsense.
Genome position (GRCh38, 1-based): chr1:215,674,598, C>T on the plus strand (G>A on the coding strand, the complement: USH2A is on the minus strand). VCF-style: chr1-215674598-C-T. GRCh37 (hg19) VCF-style: chr1-215847940-C-T.
Other names: short protein forms W4438*.
Identifiers: ClinVar variation 48416 (VCV000048416.15), dbSNP rs111033417, ClinGen allele CA262086.

ClinVar aggregate classification (germline): Pathogenic/Likely pathogenic. Review status: criteria provided, multiple submitters, no conflicts (2 of 4 stars). 5 submissions from 5 submitters: Pathogenic (3); Likely pathogenic (2). Last evaluated 2023-12-14.

Conditions:
Rare genetic deafness. Identifiers: Orphanet 96210, MedGen C5680250.
USH2A-related disorder. Also called: USH2A-related condition; USH2A-related disorders. Identifiers: MedGen CN239332.
Retinitis pigmentosa 39 (RP39). Identifiers: Orphanet 791, MedGen C3151138, MONDO:0013436, OMIM 613809.

Allele frequency attached by ClinVar (database versions not stated): gnomAD exomes below 0.00001.
gnomAD v4.1: 3 of 1,614,108 alleles (0.00019%); highest among the groups gnomAD compares: South Asian, 0.0011%; no homozygotes.

Submissions (5):

Baylor Genetics
Classification: Pathogenic for Retinitis pigmentosa 39. Last evaluated: 2023-12-14. Review status: criteria provided, single submitter. Criteria: ACMG Guidelines, 2015. Collection method: clinical testing. Allele origin: unknown.

Genome-Nilou Lab
Classification: Likely pathogenic for Retinitis pigmentosa 39. Last evaluated: 2023-11-04. Review status: criteria provided, single submitter. Criteria: ACMG Guidelines, 2015. Collection method: clinical testing. Allele origin: germline. Affected: no.

Labcorp Genetics (formerly Invitae), Labcorp
Classification: Pathogenic. Last evaluated: 2022-06-22. Review status: criteria provided, single submitter. Criteria: Invitae Variant Classification Sherloc (09022015). Collection method: clinical testing. Allele origin: germline.
Comment: This sequence change creates a premature translational stop signal (p.Trp4438*) in the USH2A gene. It is expected to result in an absent or disrupted protein product. Loss-of-function variants in USH2A are known to be pathogenic (PMID: 10729113, 10909849, 20507924, 25649381). For these reasons, this variant has been classified as Pathogenic. ClinVar contains an entry for this variant (Variation ID: 48416). This premature translational stop signal has been observed in individual(s) with Usher syndrome (PMID: 24944099). This variant is present in population databases (rs111033417, gnomAD 0.0009%).

Blueprint Genetics
Classification: Pathogenic for USH2A-related disorders. Last evaluated: 2019-08-09. Review status: criteria provided, single submitter. Criteria: ACMG Guidelines, 2015. Collection method: clinical testing. Allele origin: germline. Affected: yes. Observed: 3 variant alleles.

Laboratory for Molecular Medicine, Mass General Brigham Personalized Medicine
Classification: Likely pathogenic for Rare genetic deafness. Last evaluated: 2009-05-06. Review status: criteria provided, single submitter. Criteria: LMM Criteria. Collection method: clinical testing. Allele origin: germline. Observed: 2 variant alleles.

Literature cited by the submitters: PubMed 10729113 (cited by Labcorp Genetics (formerly Invitae), Labcorp); PubMed 10909849 (cited by Labcorp Genetics (formerly Invitae), Labcorp); PubMed 20507924 (cited by Labcorp Genetics (formerly Invitae), Labcorp); PubMed 25649381 (cited by Labcorp Genetics (formerly Invitae), Labcorp); PubMed 24944099 (cited by Labcorp Genetics (formerly Invitae), Labcorp).